The following is an entry in ClinVar:

NM_005228.5(EGFR):c.977_978del (p.Lys325_Cys326insTer)

Gene: EGFR (epidermal growth factor receptor; plus strand). Cytogenetic location: 7p11.2.
Variant type: Microsatellite.
Coding change: c.977_978del on transcript NM_005228.5 (MANE Select); coding-DNA positions 977 to 978, 2 bases deleted (GT; older notation c.977_978delGT).
Protein change: p.Lys325_Cys326insTer.
Molecular consequence: nonsense.
Genome position (GRCh38, 1-based): chr7:55,155,917-55,155,918, GT deleted; deleting any 2 consecutive bases within chr7:55,155,915-55,155,918 gives the same sequence; the c. name uses the placement nearest the transcript's 3' end. VCF-style (leftmost placement, unchanged base first): chr7-55155914-AGT-A. GRCh37 (hg19) VCF-style: chr7-55223607-AGT-A.
Other names: c.842_843del, p.Lys280_Cys281insTer (NM_001346897.2, NM_001346899.2); c.977_978del, p.Lys325_Cys326insTer (NM_001346898.2, NM_201282.2, NM_201283.2 and 1 more transcripts); c.818_819del, p.Lys272_Cys273insTer (NM_001346900.2); c.176_177del, p.Lys58_Cys59insTer (NM_001346941.2).
Identifiers: ClinVar variation 2115063 (VCV002115063.4), dbSNP rs2535523669, ClinGen allele CA2580615889.
Genomic context (GRCh38, chr7:55,155,914, plus strand): 5'-GCTCGTGCGTCCGAGCCTGTGGGGCCGACAGCTATGAGATGGAGGAAGACGGCGTCCGCA[AGT>A]GTAAGAAGTGCGAAGGGCCTTGCCGCAAAGGTAGGAAGCCCGCCGGTGTGCGGACGAGGC-3'

ClinVar aggregate classification (germline): Pathogenic (1 of 4 stars; one submission).

Conditions:
EGFR-related lung cancer (EGFR). Identifiers: MedGen CN130014.

Submission:

Labcorp Genetics (formerly Invitae), Labcorp
Classification: Pathogenic for EGFR-related lung cancer. Last evaluated: 2022-03-20. Review status: criteria provided, single submitter. Criteria: Invitae Variant Classification Sherloc (09022015). Collection method: clinical testing. Allele origin: germline.
Comment: Algorithms developed to predict the effect of sequence changes on RNA splicing suggest that this variant may disrupt the consensus splice site. This sequence change creates a premature translational stop signal (p.Cys326*) in the EGFR gene. It is expected to result in an absent or disrupted protein product. Loss-of-function variants in EGFR are known to be pathogenic (PMID: 7630400, 28726809, 29899996). This variant is not present in population databases (gnomAD no frequency). This variant has not been reported in the literature in individuals affected with EGFR-related conditions. For these reasons, this variant has been classified as Pathogenic.

Literature cited by the submitters: PubMed 7630400; PubMed 28726809; PubMed 29899996.